The following is an entry in ClinVar:

NM_019098.5(CNGB3):c.2103+2T>C

Gene: CNGB3 (cyclic nucleotide gated channel subunit beta 3; minus strand). Cytogenetic location: 8q21.3.
Variant type: single nucleotide variant.
Coding change: c.2103+2T>C on transcript NM_019098.5 (MANE Select); the canonical splice donor site of the intron after coding-DNA position 2103, T replaced by C.
Molecular consequence: splice donor variant.
Genome position (GRCh38, 1-based): chr8:86,578,687, A>G on the plus strand (T>C on the coding strand, the complement: CNGB3 is on the minus strand). VCF-style: chr8-86578687-A-G. GRCh37 (hg19) VCF-style: chr8-87590915-A-G.
Other names: c.2103+2T>C (NM_019098.4).
Identifiers: ClinVar variation 2733423 (VCV002733423.5), dbSNP rs2538027505, ClinGen allele CA371447146.

ClinVar aggregate classification (germline): Likely pathogenic. Review status: criteria provided, multiple submitters, no conflicts (2 of 4 stars). 3 submissions from 3 submitters: Likely pathogenic (3). Last evaluated 2025-06-06.

Conditions:
CNGB3-related disorder. Also called: CNGB3-related disorders; CNGB3-related condition. Identifiers: MedGen CN239340.
Achromatopsia. Also called: Rod monochromatism. Identifiers: Orphanet 49382, MedGen C0152200, MONDO:0018852, HP:0011516.

Submissions (3):

Natera, Inc.
Classification: Likely pathogenic for Achromatopsia. Last evaluated: 2025-06-06. Review status: criteria provided, single submitter. Criteria: Natera Variant Classification Schema (03/2026). Collection method: clinical testing. Allele origin: germline.
Comment: The c.2103+2T>C variant in CNGB3 is a canonical splice donor site variant predicted to affect pre-mRNA splicing, which may result in an abnormal transcript and altered protein product. This variant is expected to result in nonsense mediated decay, truncation, or a dysfunctional protein product. This variant is rare in the general population with a frequency below the threshold expected for the associated phenotype(s). Given the available evidence, this variant is classified as Likely Pathogenic.

Labcorp Genetics (formerly Invitae), Labcorp
Classification: Likely pathogenic. Last evaluated: 2023-08-21. Review status: criteria provided, single submitter. Criteria: Invitae Variant Classification Sherloc (09022015). Collection method: clinical testing. Allele origin: germline.
Comment: In summary, the currently available evidence indicates that the variant is pathogenic, but additional data are needed to prove that conclusively. Therefore, this variant has been classified as Likely Pathogenic. This sequence change affects a donor splice site in intron 17 of the CNGB3 gene. While this variant is not anticipated to result in nonsense mediated decay, it likely alters RNA splicing and results in a disrupted protein product. This variant is not present in population databases (gnomAD no frequency). Disruption of this splice site has been observed in individual(s) with CNGB3-related conditions (PMID: 28795510; external communication). In at least one individual the data is consistent with being in trans (on the opposite chromosome) from a pathogenic variant. Variants that disrupt the consensus splice site are a relatively common cause of aberrant splicing (PMID: 17576681, 9536098). Algorithms developed to predict the effect of sequence changes on RNA splicing suggest that this variant may disrupt the consensus splice site.

Blueprint Genetics
Classification: Likely pathogenic for CNGB3-related disorders. Last evaluated: 2019-04-10. Review status: criteria provided, single submitter. Criteria: ACMG Guidelines, 2015. Collection method: clinical testing. Allele origin: germline. Affected: yes. Observed: 1 variant allele.

Literature cited by the submitters: PubMed 28795510 (cited by Labcorp Genetics (formerly Invitae), Labcorp); PubMed 17576681 (cited by Labcorp Genetics (formerly Invitae), Labcorp); PubMed 9536098 (cited by Labcorp Genetics (formerly Invitae), Labcorp).